The following is an entry in ClinVar:

ClinVar aggregate classification (germline): Uncertain significance (1 of 4 stars; one submission).

Submission:

Labcorp Genetics (formerly Invitae), Labcorp
Classification: Uncertain significance. Last evaluated: 2022-07-18. Review status: criteria provided, single submitter. Criteria: Invitae Variant Classification Sherloc (09022015). Collection method: clinical testing. Allele origin: germline.
Comment: A copy number gain of the genomic region encompassing the full coding sequence of the RUSC2 gene has been identified. The boundaries of this event are unknown as they extend beyond the assayed region for this gene and therefore may encompass additional genes. As the precise location of this event is unknown, it may be in tandem or it may be located elsewhere in the genome. This variant has not been reported in the literature in individuals affected with RUSC2-related conditions. In summary, the available evidence is currently insufficient to determine the role of this variant in disease. Therefore, it has been classified as a Variant of Uncertain Significance.

NC_000009.11:g.(?_35546519)_(35561379_?)dup

Gene: RUSC2 (RUN and SH3 domain containing 2; plus strand). Cytogenetic location: 9p13.3.
Variant type: Duplication.
Identifiers: ClinVar variation 2423815 (VCV002423815.3).